The following is an entry in ClinVar:

ClinVar aggregate classification (germline): Pathogenic. Review status: criteria provided, multiple submitters, no conflicts (2 of 4 stars). 2 submissions from 2 submitters: Pathogenic (2). Last evaluated 2025-02-10.

Conditions:
Osteogenesis imperfecta type I (OI1). Also called: OI, TYPE I; OSTEOGENESIS IMPERFECTA TARDA; OSTEOGENESIS IMPERFECTA WITH BLUE SCLERAE; Lobstein disease; Osteogenesis imperfecta type 1; Lobstein's Disease. Identifiers: Orphanet 216796, Orphanet 666, MedGen C0023931, MONDO:0008146, OMIM 166200. Disease mechanism: loss of function.

Submissions (2):

Labcorp Genetics (formerly Invitae), Labcorp
Classification: Pathogenic for Osteogenesis imperfecta type I. Last evaluated: 2025-02-10. Review status: criteria provided, single submitter. Criteria: Invitae Variant Classification Sherloc (09022015). Collection method: clinical testing. Allele origin: germline.
Comment: This sequence change replaces glycine, which is neutral and non-polar, with valine, which is neutral and non-polar, at codon 224 of the COL1A1 protein (p.Gly224Val). This variant is not present in population databases (gnomAD no frequency). This missense change has been observed in individual(s) with osteogenesis imperfecta (PMID: 37270749). ClinVar contains an entry for this variant (Variation ID: 451155). Invitae Evidence Modeling of protein sequence and biophysical properties (such as structural, functional, and spatial information, amino acid conservation, physicochemical variation, residue mobility, and thermodynamic stability) indicates that this missense variant is expected to disrupt COL1A1 protein function with a positive predictive value of 95%. This variant disrupts the triple helix domain of COL1A1. Glycine residues within the Gly-Xaa-Yaa repeats of the triple helix domain are required for the structure and stability of fibrillar collagens (PMID: 7695699, 8218237, 19344236). In COL1A1, variants affecting these glycine residues are significantly enriched in individuals with disease (PMID: 9016532, 17078022) compared to the general population (ExAC). For these reasons, this variant has been classified as Pathogenic.

GeneDx
Classification: Pathogenic. Last evaluated: 2017-08-22. Review status: criteria provided, single submitter. Criteria: GeneDx Variant Classification (06012015). Collection method: clinical testing. Allele origin: germline. Affected: yes.
Comment: The G224V pathogenic variant has not been published as a pathogenic variant, nor has it been reported as a benign variant to our knowledge. G224V occurs in the triple helical domain and replaces the Glycine in the canonical Gly-X-Y repeat. Variants in these Glycines result in poor winding of the collagen triple helix and a less functional protein. The G224V variant is not observed in large population cohorts (Lek et al., 2016; 1000 Genomes Consortium et al., 2015; Exome Variant Server). The G224V variant occurs at a position that is conserved across species and in silico analysis predicts this variant is probably damaging to the protein structure/function. Missense variants in the same and nearby Glycine residues (G224S/C, G221S/C/A, G239D) have been reported in the Human Gene Mutation Database in association with COL1A1-related disorders (Stenson et al., 2014), supporting the functional importance of this region of the protein. Therefore, the presence of this pathogenic variant is consistent with the diagnosis of a COL1A1-related skeletal dysplasia

Literature cited by the submitters: PubMed 37270749 (cited by Labcorp Genetics (formerly Invitae), Labcorp); PubMed 7695699 (cited by Labcorp Genetics (formerly Invitae), Labcorp); PubMed 8218237 (cited by Labcorp Genetics (formerly Invitae), Labcorp); PubMed 19344236 (cited by Labcorp Genetics (formerly Invitae), Labcorp); PubMed 9016532 (cited by Labcorp Genetics (formerly Invitae), Labcorp); PubMed 17078022 (cited by Labcorp Genetics (formerly Invitae), Labcorp).

NM_000088.4(COL1A1):c.671G>T (p.Gly224Val)

Gene: COL1A1 (collagen type I alpha 1 chain; minus strand). Cytogenetic location: 17q21.33.
Variant type: single nucleotide variant.
Coding change: c.671G>T on transcript NM_000088.4 (MANE Select); coding-DNA position 671, G replaced by T.
Protein change: p.Gly224Val; replaces glycine 224 with valine.
Molecular consequence: missense variant.
Genome position (GRCh38, 1-based): chr17:50,197,757, C>A on the plus strand (G>T on the coding strand, the complement: COL1A1 is on the minus strand). VCF-style: chr17-50197757-C-A. GRCh37 (hg19) VCF-style: chr17-48275118-C-A.
Other names: short protein forms G224V.
Identifiers: ClinVar variation 451155 (VCV000451155.10), dbSNP rs1555574641, ClinGen allele CA400224671.
Genomic context (GRCh38, chr17:50,197,757, plus strand): 5'-GGGTCAGATGGTATCTTCTTGCTGGGGATACTTACATCATCTCCATTCTTTCCAGGGGGA[C>A]CTGGGGGACCTCGGGGACCCATGGGACCCTAGAAAAGATAGAAGAGGTGGTTAGAATATG-3'
Protein context (NP_000079.2, residues 214-234): SGPMGPRGPP[Gly224Val]PPGKNGDDGE